The following is an entry in ClinVar:

ClinVar aggregate classification (germline): Uncertain significance (1 of 4 stars; one submission).

Allele frequency attached by ClinVar (database versions not stated): ExAC 0.00001.

Submission:

Labcorp Genetics (formerly Invitae), Labcorp
Classification: Uncertain significance. Last evaluated: 2024-11-18. Review status: criteria provided, single submitter. Criteria: Invitae Variant Classification Sherloc (09022015). Collection method: clinical testing. Allele origin: germline.
Comment: This sequence change replaces alanine, which is neutral and non-polar, with threonine, which is neutral and polar, at codon 478 of the PDE6B protein (p.Ala478Thr). This variant is present in population databases (rs750844410, gnomAD 0.003%). This variant has not been reported in the literature in individuals affected with PDE6B-related conditions. ClinVar contains an entry for this variant (Variation ID: 2126274). Invitae Evidence Modeling of protein sequence and biophysical properties (such as structural, functional, and spatial information, amino acid conservation, physicochemical variation, residue mobility, and thermodynamic stability) has been performed for this missense variant. However, the output from this modeling did not meet the statistical confidence thresholds required to predict the impact of this variant on PDE6B protein function. In summary, the available evidence is currently insufficient to determine the role of this variant in disease. Therefore, it has been classified as a Variant of Uncertain Significance.

NM_000283.4(PDE6B):c.1432G>A (p.Ala478Thr)

Gene: PDE6B (phosphodiesterase 6B; plus strand). Cytogenetic location: 4p16.3.
Variant type: single nucleotide variant.
Coding change: c.1432G>A on transcript NM_000283.4 (MANE Select); coding-DNA position 1432, G replaced by A.
Protein change: p.Ala478Thr; replaces alanine 478 with threonine.
Molecular consequence: missense variant.
Genome position (GRCh38, 1-based): chr4:658,982, G>A. VCF-style: chr4-658982-G-A. GRCh37 (hg19) VCF-style: chr4-652771-G-A.
Other names: c.1432G>A, p.Ala478Thr (NM_001145291.2); c.595G>A, p.Ala199Thr (NM_001145292.2, NM_001350154.3, NM_001379246.1 and 1 more transcripts); c.277G>A, p.Ala93Thr (NM_001350155.3); short protein forms A93T, A199T, A478T.
Identifiers: ClinVar variation 2126274 (VCV002126274.4), dbSNP rs750844410, ClinGen allele CA2794518.